The following is an entry in ClinVar:

NM_002180.3(IGHMBP2):c.1067C>T (p.Ser356Phe)

Gene: IGHMBP2 (immunoglobulin mu DNA binding protein 2; plus strand). Cytogenetic location: 11q13.3.
Variant type: single nucleotide variant.
Coding change: c.1067C>T on transcript NM_002180.3 (MANE Select); coding-DNA position 1067, C replaced by T.
Protein change: p.Ser356Phe; replaces serine 356 with phenylalanine.
Molecular consequence: missense variant.
Genome position (GRCh38, 1-based): chr11:68,929,189, C>T. VCF-style: chr11-68929189-C-T. GRCh37 (hg19) VCF-style: chr11-68696657-C-T.
Other names: short protein forms S356F.
Identifiers: ClinVar variation 1063608 (VCV001063608.6), dbSNP rs2154008237, ClinGen allele CA381647382.

ClinVar aggregate classification (germline): Uncertain significance (1 of 4 stars; one submission).

Conditions:
Autosomal recessive distal spinal muscular atrophy 1. Also called: Spinal muscular atrophy with respiratory distress 1; NEURONOPATHY, DISTAL HEREDITARY MOTOR, HARDING TYPE VI; NEUROPATHY, DISTAL HEREDITARY MOTOR, AUTOSOMAL RECESSIVE 1; NEURONOPATHY, SEVERE INFANTILE AXONAL, WITH RESPIRATORY FAILURE; HMN VI; SEVERE INFANTILE AXONAL NEUROPATHY WITH RESPIRATORY FAILURE. Identifiers: Orphanet 98920, MedGen C1858517, MONDO:0011436, OMIM 604320.
Charcot-Marie-Tooth disease axonal type 2S. Also called: CHARCOT-MARIE-TOOTH DISEASE, AXONAL, AUTOSOMAL RECESSIVE, TYPE 2S; CHARCOT-MARIE-TOOTH NEUROPATHY, TYPE 2S. Identifiers: Orphanet 443073, MedGen C4015349, MONDO:0014511, OMIM 616155.

gnomAD v4.1: 2 of 1,612,816 alleles (0.00012%); highest among the groups gnomAD compares: Non-Finnish European, 0.000085%; no homozygotes.

Submission:

Labcorp Genetics (formerly Invitae), Labcorp
Classification: Uncertain significance for Autosomal recessive distal spinal muscular atrophy 1; Charcot-Marie-Tooth disease axonal type 2S. Last evaluated: 2022-07-12. Review status: criteria provided, single submitter. Criteria: Invitae Variant Classification Sherloc (09022015). Collection method: clinical testing. Allele origin: germline.
Comment: This sequence change replaces serine, which is neutral and polar, with phenylalanine, which is neutral and non-polar, at codon 356 of the IGHMBP2 protein (p.Ser356Phe). This variant is not present in population databases (gnomAD no frequency). This variant has not been reported in the literature in individuals affected with IGHMBP2-related conditions. ClinVar contains an entry for this variant (Variation ID: 1063608). Advanced modeling of protein sequence and biophysical properties (such as structural, functional, and spatial information, amino acid conservation, physicochemical variation, residue mobility, and thermodynamic stability) performed at Invitae indicates that this missense variant is not expected to disrupt IGHMBP2 protein function. In summary, the available evidence is currently insufficient to determine the role of this variant in disease. Therefore, it has been classified as a Variant of Uncertain Significance.